The following is an entry in ClinVar:

NM_001035.3(RYR2):c.9449+8T>A

Gene: RYR2 (ryanodine receptor 2; plus strand). Cytogenetic location: 1q43.
Variant type: single nucleotide variant.
Coding change: c.9449+8T>A on transcript NM_001035.3 (MANE Select); 8 bases into the intron after coding-DNA position 9449, T replaced by A.
Molecular consequence: intron variant.
Genome position (GRCh38, 1-based): chr1:237,702,067, T>A. VCF-style: chr1-237702067-T-A. GRCh37 (hg19) VCF-style: chr1-237865367-T-A.
Other names: p.?.
Identifiers: ClinVar variation 43837 (VCV000043837.42), dbSNP rs60777199, ClinGen allele CA011206.

ClinVar aggregate classification (germline): Benign. Review status: criteria provided, multiple submitters, no conflicts (2 of 4 stars). 14 submissions from 13 submitters: Benign (11). 3 of the submissions do not count toward it. Last evaluated 2026-02-03.

Conditions:
Cardiomyopathy (CMYO). Also called: Cardiomyopathies. Identifiers: Orphanet 167848, MedGen C0878544, MONDO:0004994, HP:0001638. Inheritance: Various modes of inheritance.
Catecholaminergic polymorphic ventricular tachycardia 1. Also called: VENTRICULAR TACHYCARDIA, CATECHOLAMINERGIC POLYMORPHIC, 1, WITH OR WITHOUT ATRIAL DYSFUNCTION AND/OR DILATED CARDIOMYOPATHY; RYR2-Related Catecholaminergic Polymorphic Ventricular Tachycardia; VENTRICULAR TACHYCARDIA, STRESS-INDUCED POLYMORPHIC 1. Identifiers: Orphanet 3286, MedGen C1631597, MONDO:0011484, OMIM 604772.
Arrhythmogenic right ventricular dysplasia 2. Identifiers: MedGen C1832931.

Allele frequency attached by ClinVar (database versions not stated): ESP Exome Variant Server 0.02160; gnomAD 0.02173 and 0.02348; TOPMed 0.02402; gnomAD exomes 0.00531; ExAC 0.00694; 1000 Genomes Project 0.01917; 1000 Genomes Project 30x 0.02139.
gnomAD v4.1: 6,381 of 1,517,426 alleles (0.42%); highest among the groups gnomAD compares: African/African-American, 7.4%; 218 homozygotes.

Submissions (14):

Labcorp Genetics (formerly Invitae), Labcorp
Classification: Benign for Catecholaminergic polymorphic ventricular tachycardia 1. Last evaluated: 2026-02-03. Review status: criteria provided, single submitter. Criteria: Invitae Variant Classification Sherloc (09022015). Collection method: clinical testing. Allele origin: germline.

ARUP Laboratories, Molecular Genetics and Genomics, ARUP Laboratories
Classification: Benign. Last evaluated: 2025-07-01. Review status: criteria provided, single submitter. Criteria: ARUP Molecular Germline Variant Investigation Process 2024. Collection method: clinical testing. Allele origin: germline.

Molecular Diagnostic Laboratory for Inherited Cardiovascular Disease, Montreal Heart Institute
Classification: Benign. Last evaluated: 2025-04-09. Review status: criteria provided, single submitter. Criteria: ACMG Guidelines, 2015. Collection method: clinical testing. Allele origin: germline. Affected: no.

Illumina Laboratory Services, Illumina
Classification: Benign for Catecholaminergic polymorphic ventricular tachycardia 1. Last evaluated: 2018-01-12. Review status: criteria provided, single submitter. Criteria: ICSL Variant Classification Criteria 13 December 2019. Collection method: clinical testing. Allele origin: germline.
Comment: This variant was observed in the ICSL laboratory as part of a predisposition screen in an ostensibly healthy population. It had not been previously curated by ICSL or reported in the Human Gene Mutation Database (HGMD: prior to June 1st, 2018), and was therefore a candidate for classification through an automated scoring system. Utilizing variant allele frequency, disease prevalence and penetrance estimates, and inheritance mode, an automated score was calculated to assess if this variant is too frequent to cause the disease. Based on the score and internal cut-off values, a variant classified as benign is not then subjected to further curation. The score for this variant resulted in a classification of benign for this disease.

Illumina Laboratory Services, Illumina
Classification: Benign for Catecholaminergic polymorphic ventricular tachycardia 1. Last evaluated: 2018-01-12. Review status: criteria provided, single submitter. Criteria: ICSL Variant Classification Criteria 13 December 2019. Collection method: clinical testing. Allele origin: germline.
Comment: the same text as in the submission from Illumina Laboratory Services, Illumina above.

Mayo Clinic Laboratories, Mayo Clinic
Classification: Benign. Last evaluated: 2017-05-31. Review status: criteria provided, single submitter. Criteria: ACMG Guidelines, 2015. Collection method: clinical testing. Allele origin: germline. Observed: 26 variant alleles.

CHEO Genetics Diagnostic Laboratory, Children's Hospital of Eastern Ontario
Classification: Benign for Cardiomyopathy. Last evaluated: 2016-02-04. Review status: criteria provided, single submitter. Criteria: ACMG Guidelines, 2015. Collection method: clinical testing. Allele origin: germline. Study: Canadian Open Genetics Repository.

GeneDx
Classification: Benign. Last evaluated: 2015-03-03. Review status: criteria provided, single submitter. Criteria: GeneDx Variant Classification Process June 2021. Collection method: clinical testing. Allele origin: germline. Affected: yes.

Laboratory for Molecular Medicine, Mass General Brigham Personalized Medicine
Classification: Benign. Last evaluated: 2012-02-23. Review status: criteria provided, single submitter. Criteria: LMM Criteria. Collection method: clinical testing. Allele origin: germline. Observed: 49 variant alleles.
Comment: 9449+8T>A in intron 66 of RYR2: This variant is not expected to have clinical si gnificance because it has been identified in 7% (207/2918) of African American c hromosomes from a broad population by the NHLBI Exome Sequencing Project (dbSNP rs60777199).

Breakthrough Genomics
Classification: Benign. Review status: criteria provided, single submitter. Criteria: ACMG Guidelines, 2015. Collection method: not provided. Allele origin: germline. Inheritance: Autosomal dominant inheritance. Affected: yes.

PreventionGenetics, part of Exact Sciences
Classification: Benign. Review status: criteria provided, single submitter. Criteria: ACMG Guidelines, 2015. Collection method: clinical testing. Allele origin: germline.

Clinical Genetics, Academic Medical Center
Classification: Benign. Review status: no assertion criteria provided. Collection method: clinical testing. Allele origin: germline. Affected: yes. Study: VKGL Data-share Consensus. Not counted in ClinVar's aggregate classification.

Diagnostic Laboratory, Department of Genetics, University Medical Center Groningen
Classification: Likely benign. Review status: no assertion criteria provided. Collection method: clinical testing. Allele origin: germline. Affected: yes. Study: VKGL Data-share Consensus. Not counted in ClinVar's aggregate classification.

Genome Diagnostics Laboratory, University Medical Center Utrecht
Classification: Benign. Review status: no assertion criteria provided. Collection method: clinical testing. Allele origin: germline. Affected: yes. Study: VKGL Data-share Consensus. Not counted in ClinVar's aggregate classification.